The following is an entry in ClinVar:

NM_001429.4(EP300):c.6907_6909delinsTTT (p.Leu2303Phe)

Gene: EP300 (EP300 lysine acetyltransferase; plus strand). Cytogenetic location: 22q13.2.
Variant type: Indel.
Coding change: c.6907_6909delinsTTT on transcript NM_001429.4 (MANE Select); coding-DNA positions 6907 to 6909, CTC replaced by TTT.
Protein change: p.Leu2303Phe; replaces leucine 2303 with phenylalanine.
Molecular consequence: missense variant.
Genome position (GRCh38, 1-based): chr22:41,178,618-41,178,620, CTC replaced by TTT. VCF-style: chr22-41178618-CTC-TTT. GRCh37 (hg19) VCF-style: chr22-41574622-CTC-TTT.
Other names: c.6829_6831delinsTTT, p.Leu2277Phe (NM_001362843.2); short protein forms L2303F, L2277F.
Identifiers: ClinVar variation 5000415 (VCV005000415.1).

ClinVar aggregate classification (germline): Uncertain significance (1 of 4 stars; one submission).

Conditions:
EP300-related disorder. Also called: EP300-related condition; EP300-related disorders.

Submission:

PreventionGenetics, part of Exact Sciences
Classification: Uncertain significance for EP300-related condition. Last evaluated: 2025-05-27. Review status: criteria provided, single submitter. Criteria: ACMG Guidelines, 2015. Collection method: clinical testing. Allele origin: germline.
Comment: The EP300 c.6907_6909delinsTTT variant is predicted to result in an in-frame deletion and insertion. To our knowledge, this variant has not been reported in the literature or in a large population database (gnomAD), indicating this variant is rare. At this time, the clinical significance of this variant is uncertain due to the absence of conclusive functional and genetic evidence.